The following is an entry in ClinVar:

NM_022455.5(NSD1):c.3473A>G (p.Lys1158Arg)

Gene: NSD1 (nuclear receptor binding SET domain protein 1; plus strand). Cytogenetic location: 5q35.3.
Variant type: single nucleotide variant.
Coding change: c.3473A>G on transcript NM_022455.5 (MANE Select); coding-DNA position 3473, A replaced by G.
Protein change: p.Lys1158Arg; replaces lysine 1158 with arginine.
Molecular consequence: missense variant.
Genome position (GRCh38, 1-based): chr5:177,211,872, A>G. VCF-style: chr5-177211872-A-G. GRCh37 (hg19) VCF-style: chr5-176638873-A-G.
Other names: c.2600A>G, p.Lys867Arg (NM_001365684.2, NM_001409306.1, NM_001409307.1 and 3 more transcripts); c.3473A>G, p.Lys1158Arg (NM_001409301.1, NM_001409302.1, NM_001409303.1); c.3053A>G, p.Lys1018Arg (NM_001409304.1); c.2720A>G, p.Lys907Arg (NM_001409305.1); short protein forms K889R, K1018R, K907R, K1158R, K867R.
Identifiers: ClinVar variation 1947078 (VCV001947078.5), dbSNP rs2480465960, ClinGen allele CA362324895.

ClinVar aggregate classification (germline): Uncertain significance (1 of 4 stars; one submission).

Submission:

Labcorp Genetics (formerly Invitae), Labcorp
Classification: Uncertain significance. Last evaluated: 2022-09-20. Review status: criteria provided, single submitter. Criteria: Invitae Variant Classification Sherloc (09022015). Collection method: clinical testing. Allele origin: germline.
Comment: In summary, the available evidence is currently insufficient to determine the role of this variant in disease. Therefore, it has been classified as a Variant of Uncertain Significance. Advanced modeling of protein sequence and biophysical properties (such as structural, functional, and spatial information, amino acid conservation, physicochemical variation, residue mobility, and thermodynamic stability) performed at Invitae indicates that this missense variant is not expected to disrupt NSD1 protein function. This variant has not been reported in the literature in individuals affected with NSD1-related conditions. This variant is not present in population databases (gnomAD no frequency). This sequence change replaces lysine, which is basic and polar, with arginine, which is basic and polar, at codon 1158 of the NSD1 protein (p.Lys1158Arg).